The following is an entry in ClinVar:

NM_001184.4(ATR):c.5447T>C (p.Ile1816Thr)

Gene: ATR (ATR checkpoint kinase; minus strand). Cytogenetic location: 3q23.
Variant type: single nucleotide variant.
Coding change: c.5447T>C on transcript NM_001184.4 (MANE Select); coding-DNA position 5447, T replaced by C.
Protein change: p.Ile1816Thr; replaces isoleucine 1816 with threonine.
Molecular consequence: missense variant.
Genome position (GRCh38, 1-based): chr3:142,498,708, A>G on the plus strand (T>C on the coding strand, the complement: ATR is on the minus strand). VCF-style: chr3-142498708-A-G. GRCh37 (hg19) VCF-style: chr3-142217550-A-G.
Other names: c.5255T>C, p.Ile1752Thr (NM_001354579.2); short protein forms I1752T, I1816T.
Identifiers: ClinVar variation 1446697 (VCV001446697.8), dbSNP rs2108341387, ClinGen allele CA354815972.

ClinVar aggregate classification (germline): Uncertain significance (1 of 4 stars; one submission).

Submission:

Labcorp Genetics (formerly Invitae), Labcorp
Classification: Uncertain significance. Last evaluated: 2021-02-24. Review status: criteria provided, single submitter. Criteria: Invitae Variant Classification Sherloc (09022015). Collection method: clinical testing. Allele origin: germline.
Comment: This sequence change replaces isoleucine with threonine at codon 1816 of the ATR protein (p.Ile1816Thr). The isoleucine residue is weakly conserved and there is a moderate physicochemical difference between isoleucine and threonine. This variant is not present in population databases (ExAC no frequency). In summary, the available evidence is currently insufficient to determine the role of this variant in disease. Therefore, it has been classified as a Variant of Uncertain Significance. Algorithms developed to predict the effect of missense changes on protein structure and function output the following: SIFT: "Tolerated"; PolyPhen-2: "Benign"; Align-GVGD: "Class C0". The threonine amino acid residue is found in multiple mammalian species, suggesting that this missense change does not adversely affect protein function. These predictions have not been confirmed by published functional studies and their clinical significance is uncertain. This variant has not been reported in the literature in individuals with ATR-related conditions.